The following is an entry in ClinVar:

NC_000017.11:g.(?_58709849)_(58734232_?)dup

Gene: RAD51C (RAD51 paralog C; plus strand). Cytogenetic location: 17q22.
Variant type: Duplication.
Identifiers: ClinVar variation 832405 (VCV000832405.3).

ClinVar aggregate classification (germline): Uncertain significance (1 of 4 stars; one submission).

Conditions:
Fanconi anemia complementation group O. Also called: RAD51C-Related Fanconi Anemia. Identifiers: Orphanet 84, MedGen C3150653, MONDO:0013248, OMIM 613390.

Submission:

Labcorp Genetics (formerly Invitae), Labcorp
Classification: Uncertain significance for Fanconi anemia complementation group O. Last evaluated: 2019-06-12. Review status: criteria provided, single submitter. Criteria: Invitae Variant Classification Sherloc (09022015). Collection method: clinical testing. Allele origin: germline.
Comment: This variant results in a copy number gain of the genomic region encompassing exons 5-9 of the RAD51C gene. The 5' boundary is likely confined to intron 5. The 3' end of this event is unknown as it extends beyond the assayed region for this gene and therefore may encompass additional genes. As the precise location of this event is unknown, it may be in tandem or it may be located elsewhere in the genome. This variant has not been reported in the literature in individuals with RAD51C-related conditions. In summary, the available evidence is currently insufficient to determine the role of this variant in disease. Therefore, it has been classified as a Variant of Uncertain Significance.